The following is an entry in ClinVar:

NM_014141.6(CNTNAP2):c.161T>C (p.Ile54Thr)

Gene: CNTNAP2 (contactin associated protein 2; plus strand). Cytogenetic location: 7q35.
Variant type: single nucleotide variant.
Coding change: c.161T>C on transcript NM_014141.6 (MANE Select); coding-DNA position 161, T replaced by C.
Protein change: p.Ile54Thr; replaces isoleucine 54 with threonine.
Molecular consequence: missense variant.
Genome position (GRCh38, 1-based): chr7:146,774,334, T>C. VCF-style: chr7-146774334-T-C. GRCh37 (hg19) VCF-style: chr7-146471426-T-C.
Other names: short protein forms I54T.
Identifiers: ClinVar variation 1450030 (VCV001450030.6), dbSNP rs2129185975, ClinGen allele CA369922347.

ClinVar aggregate classification (germline): Uncertain significance (1 of 4 stars; one submission).

Conditions:
Cortical dysplasia-focal epilepsy syndrome (PTHSL1). Also called: Pitt-Hopkins-like syndrome 1. Identifiers: Orphanet 163681, Orphanet 221150, MedGen C2750246, MONDO:0012400, OMIM 610042.

Submission:

Labcorp Genetics (formerly Invitae), Labcorp
Classification: Uncertain significance for Cortical dysplasia-focal epilepsy syndrome. Last evaluated: 2023-11-27. Review status: criteria provided, single submitter. Criteria: Invitae Variant Classification Sherloc (09022015). Collection method: clinical testing. Allele origin: germline.
Comment: This sequence change replaces isoleucine, which is neutral and non-polar, with threonine, which is neutral and polar, at codon 54 of the CNTNAP2 protein (p.Ile54Thr). This variant is not present in population databases (gnomAD no frequency). This variant has not been reported in the literature in individuals affected with CNTNAP2-related conditions. ClinVar contains an entry for this variant (Variation ID: 1450030). An algorithm developed to predict the effect of missense changes on protein structure and function (PolyPhen-2) suggests that this variant is likely to be tolerated. In summary, the available evidence is currently insufficient to determine the role of this variant in disease. Therefore, it has been classified as a Variant of Uncertain Significance.